The following is an entry in ClinVar:

NM_032447.5(FBN3):c.8266C>T (p.Arg2756Cys)

Gene: FBN3 (fibrillin 3; minus strand). Cytogenetic location: 19p13.2.
Variant type: single nucleotide variant.
Coding change: c.8266C>T on transcript NM_032447.5 (MANE Select); coding-DNA position 8266, C replaced by T.
Protein change: p.Arg2756Cys; replaces arginine 2756 with cysteine.
Molecular consequence: missense variant.
Genome position (GRCh38, 1-based): chr19:8,066,083, G>A on the plus strand (C>T on the coding strand, the complement: FBN3 is on the minus strand). VCF-style: chr19-8066083-G-A. GRCh37 (hg19) VCF-style: chr19-8130967-G-A.
Other names: c.8266C>T, p.Arg2756Cys (NM_001321431.2); short protein forms R2756C.
Identifiers: ClinVar variation 3608125 (VCV003608125.2).

ClinVar aggregate classification (germline): Uncertain significance (1 of 4 stars; one submission).

gnomAD v4.1: 99 of 1,613,354 alleles (0.0061%); highest among the groups gnomAD compares: South Asian, 0.098%; 1 homozygote.

Submission:

Labcorp Genetics (formerly Invitae), Labcorp
Classification: Uncertain significance. Last evaluated: 2024-02-28. Review status: criteria provided, single submitter. Criteria: Invitae Variant Classification Sherloc (09022015). Collection method: clinical testing. Allele origin: germline.
Comment: This sequence change replaces arginine, which is basic and polar, with cysteine, which is neutral and slightly polar, at codon 2756 of the FBN3 protein (p.Arg2756Cys). This variant is present in population databases (rs367798918, gnomAD 0.09%), and has an allele count higher than expected for a pathogenic variant. This variant has not been reported in the literature in individuals affected with FBN3-related conditions. Advanced modeling of protein sequence and biophysical properties (such as structural, functional, and spatial information, amino acid conservation, physicochemical variation, residue mobility, and thermodynamic stability) performed at Invitae indicates that this missense variant is not expected to disrupt FBN3 protein function with a negative predictive value of 80%. In summary, the available evidence is currently insufficient to determine the role of this variant in disease. Therefore, it has been classified as a Variant of Uncertain Significance.